The following is an entry in ClinVar:

ClinVar aggregate classification (germline): Uncertain significance. Review status: criteria provided, multiple submitters, no conflicts (2 of 4 stars). 3 submissions from 3 submitters: Uncertain significance (3). Last evaluated 2025-05-15.

Conditions:
Inborn genetic diseases. Identifiers: MedGen C0950123, MeSH D030342.

Submissions (3):

Ambry Genetics
Classification: Uncertain significance for Inborn genetic diseases. Last evaluated: 2025-05-15. Review status: criteria provided, single submitter. Criteria: Ambry Variant Classification Scheme 2023. Collection method: clinical testing. Allele origin: germline.

Blueprint Genetics
Classification: Uncertain significance. Last evaluated: 2022-11-09. Review status: criteria provided, single submitter. Criteria: ACMG Guidelines, 2015. Collection method: clinical testing. Allele origin: germline.

Labcorp Genetics (formerly Invitae), Labcorp
Classification: Uncertain significance. Last evaluated: 2022-08-09. Review status: criteria provided, single submitter. Criteria: Invitae Variant Classification Sherloc (09022015). Collection method: clinical testing. Allele origin: germline.
Comment: In summary, the available evidence is currently insufficient to determine the role of this variant in disease. Therefore, it has been classified as a Variant of Uncertain Significance. This sequence change replaces glycine, which is neutral and non-polar, with alanine, which is neutral and non-polar, at codon 285 of the RMND1 protein (p.Gly285Ala). This variant is not present in population databases (gnomAD no frequency). This variant has not been reported in the literature in individuals affected with RMND1-related conditions. ClinVar contains an entry for this variant (Variation ID: 1352774). Algorithms developed to predict the effect of missense changes on protein structure and function are either unavailable or do not agree on the potential impact of this missense change (SIFT: "Tolerated"; PolyPhen-2: "Probably Damaging"; Align-GVGD: "Class C0").

NM_017909.4(RMND1):c.854G>C (p.Gly285Ala)

Gene: RMND1 (required for meiotic nuclear division 1 homolog; minus strand). Cytogenetic location: 6q25.1.
Variant type: single nucleotide variant.
Coding change: c.854G>C on transcript NM_017909.4 (MANE Select); coding-DNA position 854, G replaced by C.
Protein change: p.Gly285Ala; replaces glycine 285 with alanine.
Molecular consequence: missense variant.
Genome position (GRCh38, 1-based): chr6:151,423,608, C>G on the plus strand (G>C on the coding strand, the complement: RMND1 is on the minus strand). VCF-style: chr6-151423608-C-G. GRCh37 (hg19) VCF-style: chr6-151744743-C-G.
Other names: c.854G>C (NM_017909.2); c.344G>C, p.Gly115Ala (NM_001271937.2); short protein forms G285A, G115A.
Identifiers: ClinVar variation 1352774 (VCV001352774.8), dbSNP rs1217406345, ClinGen allele CA366060802.